The following is an entry in ClinVar:

ClinVar aggregate classification (germline): Pathogenic (1 of 4 stars; one submission).

Conditions:
Glycine encephalopathy. Also called: Nonketotic hyperglycinemia; Non-ketotic hyperglycinemia. Identifiers: Orphanet 407, MedGen C0751748, MONDO:0011612, HP:0008288.

Allele frequency attached by ClinVar (database versions not stated): gnomAD exomes below 0.00001.
gnomAD v4.1: 4 of 1,612,056 alleles (0.00025%); highest among the groups gnomAD compares: Non-Finnish European, 0.00034%; no homozygotes.

Submission:

Labcorp Genetics (formerly Invitae), Labcorp
Classification: Pathogenic for Glycine encephalopathy. Last evaluated: 2023-10-27. Review status: criteria provided, single submitter. Criteria: Invitae Variant Classification Sherloc (09022015). Collection method: clinical testing. Allele origin: germline.
Comment: This sequence change affects a donor splice site in intron 6 of the GLDC gene. It is expected to disrupt RNA splicing. Variants that disrupt the donor or acceptor splice site typically lead to a loss of protein function (PMID: 16199547), and loss-of-function variants in GLDC are known to be pathogenic (PMID: 16601880). This variant is not present in population databases (gnomAD no frequency). Disruption of this splice site has been observed in individual(s) with glycine encephalopathy (PMID: 27362913). In at least one individual the data is consistent with being in trans (on the opposite chromosome) from a pathogenic variant. Algorithms developed to predict the effect of sequence changes on RNA splicing suggest that this variant may disrupt the consensus splice site. For these reasons, this variant has been classified as Pathogenic.

Literature cited by the submitters: PubMed 16199547; PubMed 16601880; PubMed 27362913.

NM_000170.3(GLDC):c.861+2T>C

Gene: GLDC (glycine decarboxylase; minus strand). Cytogenetic location: 9p24.1.
Variant type: single nucleotide variant.
Coding change: c.861+2T>C on transcript NM_000170.3 (MANE Select); the canonical splice donor site of the intron after coding-DNA position 861, T replaced by C.
Molecular consequence: splice donor variant.
Genome position (GRCh38, 1-based): chr9:6,605,129, A>G on the plus strand (T>C on the coding strand, the complement: GLDC is on the minus strand). VCF-style: chr9-6605129-A-G. GRCh37 (hg19) VCF-style: chr9-6605129-A-G.
Identifiers: ClinVar variation 2735254 (VCV002735254.3), dbSNP rs2129897960, ClinGen allele CA372896200.